The following is an entry in ClinVar:

NM_004817.4(TJP2):c.825C>T (p.His275=)

Gene: TJP2 (tight junction protein 2; plus strand). Cytogenetic location: 9q21.11.
Variant type: single nucleotide variant.
Coding change: c.825C>T on transcript NM_004817.4 (MANE Select); coding-DNA position 825, C replaced by T.
Protein change: p.His275=; no amino-acid change (histidine 275 retained).
Molecular consequence: synonymous variant.
Genome position (GRCh38, 1-based): chr9:69,221,369, C>T. VCF-style: chr9-69221369-C-T. GRCh37 (hg19) VCF-style: chr9-71836285-C-T.
Other names: c.756C>T, p.His252= (NM_001170414.2, NM_001369870.1, NM_001369871.1); c.837C>T, p.His279= (NM_001170415.1, NM_001369874.1, NM_001369875.1); c.918C>T, p.His306= (NM_001170416.2); c.825C>T, p.His275= (NM_001369872.1, NM_001369873.1, NM_201629.3).
Identifiers: ClinVar variation 3061689 (VCV003061689.2), dbSNP rs757645508, ClinGen allele CA5073107.
Genomic context (GRCh38, chr9:69,221,369, plus strand): 5'-GGCCTACGACCCAGACTACGAGCGGGCCTACAGCCCGGAGTACAGGCGCGGGGCCCGCCA[C>T]GATGCCCGCTCTCGGGGACCCCGAAGCCGCAGCCGCGAGCACCCGCACTCACGGAGCCCC-3'
Protein context (NP_004808.2, residues 265-285): YSPEYRRGAR[His275=]DARSRGPRSR

ClinVar aggregate classification (germline): Likely benign (0 of 4 stars; one submission).

Conditions:
TJP2-related disorder. Also called: TJP2-related condition.

Allele frequency attached by ClinVar (database versions not stated): gnomAD exomes below 0.00001; TOPMed 0.00001; gnomAD 0.00002; ExAC 0.00003.
gnomAD v4.1: 9 of 1,584,366 alleles (0.00057%); highest among the groups gnomAD compares: African/African-American, 0.0027%; no homozygotes.

Submission:

PreventionGenetics, part of Exact Sciences
Classification: Likely benign for TJP2-related condition. Last evaluated: 2024-02-22. Review status: no assertion criteria provided. Collection method: clinical testing. Allele origin: germline.
Comment: This variant is classified as likely benign based on ACMG/AMP sequence variant interpretation guidelines (Richards et al. 2015 PMID: 25741868, with internal and published modifications).